The following is an entry in ClinVar:

NM_016180.5(SLC45A2):c.1014del (p.Phe338fs)

Gene: SLC45A2 (solute carrier family 45 member 2; minus strand). Cytogenetic location: 5p13.2.
Variant type: Deletion.
Coding change: c.1014del on transcript NM_016180.5 (MANE Select); coding-DNA position 1014, one base deleted (C; older notation c.1014delC).
Protein change: p.Phe338fs; shifts the reading frame from phenylalanine 338.
Molecular consequence: frameshift variant.
Genome position (GRCh38, 1-based): chr5:33,954,379, G deleted on the plus strand (C on the coding strand, the reverse complement: SLC45A2 is on the minus strand). VCF-style (leftmost placement, unchanged base first): chr5-33954378-TG-T. GRCh37 (hg19) VCF-style: chr5-33954483-TG-T.
Other names: c.1014del, p.Phe338fs (NM_001012509.4); c.688del, p.His230fs (NM_001297417.4); c.1014del (NM_016180.4); short protein forms H230fs, F338fs.
Identifiers: ClinVar variation 2790804 (VCV002790804.4), dbSNP rs1427916078, ClinGen allele CA558966935.

ClinVar aggregate classification (germline): Pathogenic/Likely pathogenic. Review status: criteria provided, multiple submitters, no conflicts (2 of 4 stars). 2 submissions from 2 submitters: Pathogenic (1); Likely pathogenic (1). Last evaluated 2025-01-01.

Conditions:
Oculocutaneous albinism type 4 (OCA4). Also called: Albinism, oculocutaneous, type IV. Identifiers: Orphanet 79435, MedGen C1847836, MONDO:0011683, OMIM 606574.
SKIN/HAIR/EYE PIGMENTATION 5, BLACK/NONBLACK HAIR (SHEP5). Also called: SKIN/HAIR/EYE PIGMENTATION, VARIATION IN, 5; SKIN/HAIR/EYE PIGMENTATION 5, DARK/FAIR SKIN; SKIN/HAIR/EYE PIGMENTATION 5, DARK/LIGHT EYES. Identifiers: MedGen C2673584, OMIM 227240.

Allele frequency attached by ClinVar (database versions not stated): TOPMed below 0.00001; gnomAD exomes 0.00001.

Submissions (2):

Laboratory of Genetic Epidemiology, Research Centre for Medical Genetics
Classification: Likely pathogenic for SKIN/HAIR/EYE PIGMENTATION 5, BLACK/NONBLACK HAIR; Oculocutaneous albinism type 4. Last evaluated: 2025-01-01. Review status: criteria provided, single submitter. Criteria: ACMG Guidelines, 2015. Collection method: clinical testing. Allele origin: maternal. Inheritance: Autosomal recessive inheritance. Affected: yes. Observed: 1 compound heterozygote.
Comment: This variant has not been previously reported in the literature and is not listed in gnomAD v3.1.2. Taken together, the variant meets the following ACMG/AMP criteria and can be classified as likely pathogenic with PM2, PP5, PP4 criteria.

Labcorp Genetics (formerly Invitae), Labcorp
Classification: Pathogenic. Last evaluated: 2023-12-09. Review status: criteria provided, single submitter. Criteria: Invitae Variant Classification Sherloc (09022015). Collection method: clinical testing. Allele origin: germline.
Comment: This sequence change creates a premature translational stop signal (p.Phe338Leufs*60) in the SLC45A2 gene. It is expected to result in an absent or disrupted protein product. Loss-of-function variants in SLC45A2 are known to be pathogenic (PMID: 21458243, 26573111). This variant is present in population databases (no rsID available, gnomAD 0.002%). This variant has not been reported in the literature in individuals affected with SLC45A2-related conditions. For these reasons, this variant has been classified as Pathogenic.

Literature cited by the submitters: PubMed 41428507 (cited by Laboratory of Genetic Epidemiology, Research Centre for Medical Genetics); PubMed 21458243 (cited by Labcorp Genetics (formerly Invitae), Labcorp); PubMed 26573111 (cited by Labcorp Genetics (formerly Invitae), Labcorp).